The following is an entry in ClinVar:

NM_001148.6(ANK2):c.4946C>T (p.Pro1649Leu)

Gene: ANK2 (ankyrin 2; plus strand). Cytogenetic location: 4q26.
Variant type: single nucleotide variant.
Coding change: c.4946C>T on transcript NM_001148.6 (MANE Select); coding-DNA position 4946, C replaced by T.
Protein change: p.Pro1649Leu; replaces proline 1649 with leucine.
Molecular consequence: missense variant. On other transcripts: intron variant (68).
Genome position (GRCh38, 1-based): chr4:113,353,564, C>T. VCF-style: chr4-113353564-C-T. GRCh37 (hg19) VCF-style: chr4-114274720-C-T.
Other names: c.4712C>T, p.Pro1571Leu (NM_001386142.1); c.1346C>T, p.Pro449Leu (NM_001386166.1); c.5087C>T, p.Pro1696Leu (NM_001386174.1); c.5063C>T, p.Pro1688Leu (NM_001386175.1); c.4411+3315C>T (NM_001386186.2, NM_001386148.2); c.4213+3315C>T (NM_001354269.3); c.4291+3315C>T (NM_001386187.2); c.4252+3315C>T (NM_001386147.1); and 35 more; short protein forms P1571L, P1688L, P1649L, P1696L, P449L.
Identifiers: ClinVar variation 3295041 (VCV003295041.1).

ClinVar aggregate classification (germline): Uncertain significance (1 of 4 stars; one submission).

Conditions:
Cardiovascular phenotype. Identifiers: MedGen CN230736.

gnomAD v4.1: 1 of 1,613,902 alleles (0.000062%); highest among the groups gnomAD compares: Non-Finnish European, 0.000085%; no homozygotes.

Submission:

Ambry Genetics
Classification: Uncertain significance for Cardiovascular phenotype. Last evaluated: 2024-05-17. Review status: criteria provided, single submitter. Criteria: Ambry Variant Classification Scheme 2023. Collection method: clinical testing. Allele origin: germline.
Comment: The p.P1649L variant (also known as c.4946C>T), located in coding exon 38 of the ANK2 gene, results from a C to T substitution at nucleotide position 4946. The proline at codon 1649 is replaced by leucine, an amino acid with similar properties. This amino acid position is conserved. In addition, this alteration is predicted to be tolerated by in silico analysis. Based on the available evidence, the clinical significance of this variant remains unclear.